The following is an entry in ClinVar:

NM_001018005.2(TPM1):c.851+6C>A

Gene: TPM1 (tropomyosin 1; plus strand). Cytogenetic location: 15q22.2.
Variant type: single nucleotide variant.
Coding change: c.851+6C>A on transcript NM_001018005.2 (MANE Select); 6 bases into the intron after coding-DNA position 851, C replaced by A.
Molecular consequence: intron variant. On other transcripts: 3 prime UTR variant (4).
Genome position (GRCh38, 1-based): chr15:63,064,148, C>A. VCF-style: chr15-63064148-C-A. GRCh37 (hg19) VCF-style: chr15-63356347-C-A.
Other names: c.*2C>A (NM_000366.6, NM_001365779.1, NM_001365781.2 and 1 more transcripts); c.898+1503C>A (NM_001365778.1); c.772+1503C>A (NM_001018020.2, NM_001018007.2, NM_001018006.2 and 3 more transcripts); c.851+6C>A (NM_001301244.2); c.664+1503C>A (NM_001330351.2, NM_001330344.2, NM_001018008.2 and 2 more transcripts); c.743+6C>A (NM_001330346.2).
Identifiers: ClinVar variation 378750 (VCV000378750.16), dbSNP rs375043184, ClinGen allele CA032286.

ClinVar aggregate classification (germline): Conflicting classifications of pathogenicity. Review status: criteria provided, conflicting classifications (1 of 4 stars). 4 submissions from 4 submitters: Uncertain significance (1); Likely benign (3). Last evaluated 2025-12-21.

Conditions:
Cardiomyopathy (CMYO). Also called: Cardiomyopathies. Identifiers: Orphanet 167848, MedGen C0878544, MONDO:0004994, HP:0001638. Inheritance: Various modes of inheritance.
Hypertrophic cardiomyopathy. Also called: HYPERTROPHIC MYOCARDIOPATHY. Identifiers: Orphanet 217569, MedGen C0007194, MeSH D002312, MONDO:0005045, HP:0001639.

Allele frequency attached by ClinVar (database versions not stated): TOPMed 0.00004.
gnomAD v4.1: 40 of 1,613,324 alleles (0.0025%); highest among the groups gnomAD compares: East Asian, 0.0067%; no homozygotes.

Submissions (4):

Labcorp Genetics (formerly Invitae), Labcorp
Classification: Uncertain significance for Hypertrophic cardiomyopathy. Last evaluated: 2025-12-21. Review status: criteria provided, single submitter. Criteria: Invitae Variant Classification Sherloc (09022015). Collection method: clinical testing. Allele origin: germline.
Comment: This sequence change falls in intron 9 of the TPM1 gene. It does not directly change the encoded amino acid sequence of the TPM1 protein. It affects a nucleotide within the consensus splice site. This variant is present in population databases (rs375043184, gnomAD 0.04%). This variant has not been reported in the literature in individuals affected with TPM1-related conditions. ClinVar contains an entry for this variant (Variation ID: 378750). Variants that disrupt the consensus splice site are a relatively common cause of aberrant splicing (PMID: 17576681, 9536098). Algorithms developed to predict the effect of sequence changes on RNA splicing suggest that this variant is not likely to affect RNA splicing. In summary, the available evidence is currently insufficient to determine the role of this variant in disease. Therefore, it has been classified as a Variant of Uncertain Significance.

Blueprint Genetics
Classification: Likely benign. Last evaluated: 2024-02-29. Review status: criteria provided, single submitter. Criteria: ACMG Guidelines, 2015. Collection method: clinical testing. Allele origin: germline.

GeneDx
Classification: Likely benign. Last evaluated: 2020-04-30. Review status: criteria provided, single submitter. Criteria: GeneDx Variant Classification Process June 2021. Collection method: clinical testing. Allele origin: germline. Affected: yes.

Color Diagnostics, LLC DBA Color Health
Classification: Likely benign for Cardiomyopathy. Last evaluated: 2018-11-08. Review status: criteria provided, single submitter. Criteria: ACMG Guidelines, 2015. Collection method: clinical testing. Allele origin: germline.

Literature cited by the submitters: PubMed 17576681 (cited by Labcorp Genetics (formerly Invitae), Labcorp); PubMed 9536098 (cited by Labcorp Genetics (formerly Invitae), Labcorp).